The following is an entry in ClinVar:

ClinVar aggregate classification (germline): Likely benign (1 of 4 stars; one submission).

Submission:

CeGaT Center for Human Genetics Tuebingen
Classification: Likely benign. Last evaluated: 2025-12-01. Review status: criteria provided, single submitter. Criteria: CeGaT Center For Human Genetics Tuebingen Variant Classification Criteria Version 2. Collection method: clinical testing. Allele origin: germline. Affected: yes. Observed: 1 variant allele.
Comment: IL17RC: PM2:Supporting, BP4, BP7

NM_153460.4(IL17RC):c.243C>T (p.Asp81=)

Gene: IL17RC (interleukin 17 receptor C; plus strand). Cytogenetic location: 3p25.3.
Variant type: single nucleotide variant.
Coding change: c.243C>T on transcript NM_153460.4 (MANE Select); coding-DNA position 243, C replaced by T.
Protein change: p.Asp81=; no amino-acid change (aspartic acid 81 retained).
Molecular consequence: synonymous variant. On other transcripts: non-coding transcript variant (1).
Genome position (GRCh38, 1-based): chr3:9,918,038, C>T. VCF-style: chr3-9918038-C-T. GRCh37 (hg19) VCF-style: chr3-9959722-C-T.
Other names: c.243C>T, p.Asp81= (NM_001203263.2, NM_001203264.2, NM_001203265.2 and 5 more transcripts); c.456C>T, p.Asp152= (NM_153461.4).
Identifiers: ClinVar variation 4681767 (VCV004681767.5).